The following is an entry in ClinVar:

ClinVar aggregate classification (germline): Uncertain significance (1 of 4 stars; one submission).

Allele frequency attached by ClinVar (database versions not stated): TOPMed below 0.00001.

Submission:

Labcorp Genetics (formerly Invitae), Labcorp
Classification: Uncertain significance. Last evaluated: 2024-11-05. Review status: criteria provided, single submitter. Criteria: Invitae Variant Classification Sherloc (09022015). Collection method: clinical testing. Allele origin: germline.
Comment: This sequence change replaces valine, which is neutral and non-polar, with leucine, which is neutral and non-polar, at codon 464 of the SNRNP200 protein (p.Val464Leu). This variant is not present in population databases (gnomAD no frequency). This variant has not been reported in the literature in individuals affected with SNRNP200-related conditions. ClinVar contains an entry for this variant (Variation ID: 2106551). Invitae Evidence Modeling of protein sequence and biophysical properties (such as structural, functional, and spatial information, amino acid conservation, physicochemical variation, residue mobility, and thermodynamic stability) indicates that this missense variant is not expected to disrupt SNRNP200 protein function with a negative predictive value of 95%. In summary, the available evidence is currently insufficient to determine the role of this variant in disease. Therefore, it has been classified as a Variant of Uncertain Significance.

NM_014014.5(SNRNP200):c.1390G>C (p.Val464Leu)

Gene: SNRNP200 (small nuclear ribonucleoprotein U5 subunit 200; minus strand). Cytogenetic location: 2q11.2.
Variant type: single nucleotide variant.
Coding change: c.1390G>C on transcript NM_014014.5 (MANE Select); coding-DNA position 1390, G replaced by C.
Protein change: p.Val464Leu; replaces valine 464 with leucine.
Molecular consequence: missense variant.
Genome position (GRCh38, 1-based): chr2:96,297,058, C>G on the plus strand (G>C on the coding strand, the complement: SNRNP200 is on the minus strand). VCF-style: chr2-96297058-C-G. GRCh37 (hg19) VCF-style: chr2-96962796-C-G.
Other names: short protein forms V464L.
Identifiers: ClinVar variation 2106551 (VCV002106551.4), dbSNP rs2063921539, ClinGen allele CA347682932.